The following is an entry in ClinVar:

NM_000283.4(PDE6B):c.1371G>C (p.Lys457Asn)

Gene: PDE6B (phosphodiesterase 6B; plus strand). Cytogenetic location: 4p16.3.
Variant type: single nucleotide variant.
Coding change: c.1371G>C on transcript NM_000283.4 (MANE Select); coding-DNA position 1371, G replaced by C.
Protein change: p.Lys457Asn; replaces lysine 457 with asparagine.
Molecular consequence: missense variant.
Genome position (GRCh38, 1-based): chr4:657,464, G>C. VCF-style: chr4-657464-G-C. GRCh37 (hg19) VCF-style: chr4-651253-G-C.
Other names: c.1371G>C, p.Lys457Asn (NM_001145291.2); c.534G>C, p.Lys178Asn (NM_001145292.2, NM_001350154.3, NM_001379246.1 and 1 more transcripts); c.216G>C, p.Lys72Asn (NM_001350155.3); short protein forms K457N, K72N, K178N.
Identifiers: ClinVar variation 1500674 (VCV001500674.9), dbSNP rs2109218771, ClinGen allele CA355914285.

ClinVar aggregate classification (germline): Uncertain significance. Review status: criteria provided, multiple submitters, no conflicts (2 of 4 stars). 2 submissions from 2 submitters: Uncertain significance (2). Last evaluated 2021-07-02.

gnomAD v4.1: 1 of 1,613,400 alleles (0.000062%); highest among the groups gnomAD compares: Non-Finnish European, 0.000085%; no homozygotes.

Submissions (2):

Labcorp Genetics (formerly Invitae), Labcorp
Classification: Uncertain significance. Last evaluated: 2021-07-02. Review status: criteria provided, single submitter. Criteria: Invitae Variant Classification Sherloc (09022015). Collection method: clinical testing. Allele origin: germline.
Comment: In summary, the available evidence is currently insufficient to determine the role of this variant in disease. Therefore, it has been classified as a Variant of Uncertain Significance. Algorithms developed to predict the effect of missense changes on protein structure and function are either unavailable or do not agree on the potential impact of this missense change (SIFT: "Deleterious"; PolyPhen-2: "Possibly Damaging"; Align-GVGD: "Class C0"). This variant has not been reported in the literature in individuals affected with PDE6B-related conditions. This variant is not present in population databases (ExAC no frequency). This sequence change replaces lysine with asparagine at codon 457 of the PDE6B protein (p.Lys457Asn). The lysine residue is weakly conserved and there is a moderate physicochemical difference between lysine and asparagine.

Blueprint Genetics
Classification: Uncertain significance. Last evaluated: 2019-12-16. Review status: criteria provided, single submitter. Criteria: ACMG Guidelines, 2015. Collection method: clinical testing. Allele origin: germline.